The following is an entry in ClinVar:

NM_001374736.1(DST):c.19567-95A>G

Gene: DST (dystonin; minus strand). Cytogenetic location: 6p12.1.
Variant type: single nucleotide variant.
Coding change: c.19567-95A>G on transcript NM_001374736.1 (MANE Select); 95 bases into the intron before coding-DNA position 19567, A replaced by G.
Molecular consequence: intron variant.
Genome position (GRCh38, 1-based): chr6:56,501,788, T>C on the plus strand (A>G on the coding strand, the complement: DST is on the minus strand). VCF-style: chr6-56501788-T-C. GRCh37 (hg19) VCF-style: chr6-56366586-T-C.
Other names: c.13210-95A>G (NM_001144769.5); c.19567-95A>G (NM_001374722.1); c.19594-95A>G (NM_001374734.1); c.12796-95A>G (NM_001144770.2); c.12349-95A>G (NM_001374730.1); c.12676-95A>G (NM_001386100.1, NM_183380.4); c.18607-95A>G (NM_001374729.1); c.11698-95A>G (NM_015548.5).
Identifiers: ClinVar variation 1684094 (VCV001684094.2), dbSNP rs140657390, ClinGen allele CA139193343.

ClinVar aggregate classification (germline): Likely benign (1 of 4 stars; one submission).

Allele frequency attached by ClinVar (database versions not stated): 1000 Genomes Project 0.00280; 1000 Genomes Project 30x 0.00297; gnomAD 0.00481 and 0.00525; TOPMed 0.00553.
gnomAD v4.1: 1,035 of 908,794 alleles (0.11%); highest among the groups gnomAD compares: African/African-American, 1.7%; 7 homozygotes.

Submission:

GeneDx
Classification: Likely benign. Last evaluated: 2021-11-12. Review status: criteria provided, single submitter. Criteria: GeneDx Variant Classification Process June 2021. Collection method: clinical testing. Allele origin: germline. Affected: yes.
Comment: See Variant Classification Assertion Criteria.